The following is an entry in ClinVar:

NM_002076.4(GNS):c.1204G>A (p.Gly402Ser)

Gene: GNS (glucosamine (N-acetyl)-6-sulfatase; minus strand). Cytogenetic location: 12q14.3.
Variant type: single nucleotide variant.
Coding change: c.1204G>A on transcript NM_002076.4 (MANE Select); coding-DNA position 1204, G replaced by A.
Protein change: p.Gly402Ser; replaces glycine 402 with serine.
Molecular consequence: missense variant.
Genome position (GRCh38, 1-based): chr12:64,723,110, C>T on the plus strand (G>A on the coding strand, the complement: GNS is on the minus strand). VCF-style: chr12-64723110-C-T. GRCh37 (hg19) VCF-style: chr12-65116890-C-T.
Other names: short protein forms G402S.
Identifiers: ClinVar variation 1408793 (VCV001408793.4), dbSNP rs1364524364, ClinGen allele CA385603471.

ClinVar aggregate classification (germline): Uncertain significance (1 of 4 stars; one submission).

Conditions:
Mucopolysaccharidosis, MPS-III-D (MPS3D). Also called: Mucopoly-saccharidosis type 3D; N-acetylglucosamine-6-sulfate sulfatase deficiency; MPS 3D; MPS IIID (Sanfilippo Syndrome Type D); MUCOPOLYSACCHARIDOSIS, TYPE IIID; N-ACETYLGLUCOSAMINE-6-SULFATASE DEFICIENCY. Identifiers: Orphanet 581, Orphanet 79272, MedGen C0086650, MONDO:0009658, OMIM 252940.

Allele frequency attached by ClinVar (database versions not stated): gnomAD exomes below 0.00001 and 0.00001; TOPMed below 0.00001.
gnomAD v4.1: 6 of 1,586,398 alleles (0.00038%); highest among the groups gnomAD compares: Non-Finnish European, 0.00035%; no homozygotes.

Submission:

Labcorp Genetics (formerly Invitae), Labcorp
Classification: Uncertain significance for Mucopolysaccharidosis, MPS-III-D. Last evaluated: 2025-09-21. Review status: criteria provided, single submitter. Criteria: Invitae Variant Classification Sherloc (09022015). Collection method: clinical testing. Allele origin: germline.
Comment: This sequence change replaces glycine, which is neutral and non-polar, with serine, which is neutral and polar, at codon 402 of the GNS protein (p.Gly402Ser). This variant is present in population databases (no rsID available, gnomAD 0.003%). This variant has not been reported in the literature in individuals affected with GNS-related conditions. ClinVar contains an entry for this variant (Variation ID: 1408793). Invitae Evidence Modeling of protein sequence and biophysical properties (such as structural, functional, and spatial information, amino acid conservation, physicochemical variation, residue mobility, and thermodynamic stability) indicates that this missense variant is not expected to disrupt GNS protein function with a negative predictive value of 80%. In summary, the available evidence is currently insufficient to determine the role of this variant in disease. Therefore, it has been classified as a Variant of Uncertain Significance.